The following is an entry in ClinVar:

ClinVar aggregate classification (germline): Uncertain significance (1 of 4 stars; one submission).

Conditions:
Autosomal dominant nocturnal frontal lobe epilepsy 5. Also called: CILIARY DYSKINESIA, PRIMARY, 28, WITHOUT SITUS INVERSUS; CILIARY DYSKINESIA, PRIMARY, 28, WITH SITUS INVERSUS; KCNT1-Related Epilepsy; Epilepsy, nocturnal frontal lobe, 5. Identifiers: Orphanet 98784, MedGen C3554306, MONDO:0014002, OMIM 615005.
Developmental and epileptic encephalopathy, 14 (DEE14). Also called: Early infantile epileptic encephalopathy 14. Identifiers: Orphanet 293181, MedGen C3554195, MONDO:0013989, OMIM 614959.

Submission:

Labcorp Genetics (formerly Invitae), Labcorp
Classification: Uncertain significance for Autosomal dominant nocturnal frontal lobe epilepsy 5; Developmental and epileptic encephalopathy, 14. Last evaluated: 2025-10-23. Review status: criteria provided, single submitter. Criteria: Invitae Variant Classification Sherloc (09022015). Collection method: clinical testing. Allele origin: germline.
Comment: This sequence change replaces proline, which is neutral and non-polar, with alanine, which is neutral and non-polar, at codon 1203 of the KCNT1 protein (p.Pro1203Ala). This variant is not present in population databases (gnomAD no frequency). This variant has not been reported in the literature in individuals affected with KCNT1-related conditions. Invitae Evidence Modeling of protein sequence and biophysical properties (such as structural, functional, and spatial information, amino acid conservation, physicochemical variation, residue mobility, and thermodynamic stability) has been performed for this missense variant. However, the output from this modeling did not meet the statistical confidence thresholds required to predict the impact of this variant on KCNT1 protein function. In summary, the available evidence is currently insufficient to determine the role of this variant in disease. Therefore, it has been classified as a Variant of Uncertain Significance.

NM_020822.3(KCNT1):c.3607C>G (p.Pro1203Ala)

Gene: KCNT1 (potassium sodium-activated channel subfamily T member 1; plus strand). Cytogenetic location: 9q34.3.
Variant type: single nucleotide variant.
Coding change: c.3607C>G on transcript NM_020822.3 (MANE Select); coding-DNA position 3607, C replaced by G.
Protein change: p.Pro1203Ala; replaces proline 1203 with alanine.
Molecular consequence: missense variant.
Genome position (GRCh38, 1-based): chr9:135,792,060, C>G. VCF-style: chr9-135792060-C-G. GRCh37 (hg19) VCF-style: chr9-138683906-C-G.
Other names: c.3535C>G, p.Pro1179Ala (NM_001272003.2); short protein forms P1179A, P1203A.
Identifiers: ClinVar variation 4782655 (VCV004782655.1).
Genomic context (GRCh38, chr9:135,792,060, plus strand): 5'-CGGCCCACATCCACTCCAGGGTCCTCTGTGCCCTCCCGCAGCTATCTCATCCGCTCCGAC[C>G]CCCTGGCTCACGTGGCCAGCAGCTCCCAGAGCCGGAAGAGCAGCTGCAGCCACAAGCTGT-3'
Protein context (NP_065873.2, residues 1193-1213): SDIVYLIRSD[Pro1203Ala]LAHVASSSQS